The following is an entry in ClinVar:

ClinVar aggregate classification (germline): Likely benign (0 of 4 stars; one submission).

Conditions:
SDCCAG8-related disorder. Also called: SDCCAG8-Related Disorders; SDCCAG8-related condition.

Submission:

PreventionGenetics, part of Exact Sciences
Classification: Likely benign for SDCCAG8-related condition. Last evaluated: 2021-11-04. Review status: no assertion criteria provided. Collection method: clinical testing. Allele origin: germline.
Comment: This variant is classified as likely benign based on ACMG/AMP sequence variant interpretation guidelines (Richards et al. 2015 PMID: 25741868, with internal and published modifications).

NM_006642.5(SDCCAG8):c.741-10del

Gene: SDCCAG8 (SHH signaling and ciliogenesis regulator SDCCAG8; plus strand). Cytogenetic location: 1q43.
Variant type: Deletion.
Coding change: c.741-10del on transcript NM_006642.5 (MANE Select); 10 bases into the intron before coding-DNA position 741, one base deleted (C; older notation c.741-10delC).
Molecular consequence: intron variant.
Genome position (GRCh38, 1-based): chr1:243,307,979, C deleted; the last of 3 consecutive C bases (chr1:243,307,977-243,307,979); deleting any one gives the same sequence. VCF-style (leftmost placement, unchanged base first): chr1-243307976-AC-A. GRCh37 (hg19) VCF-style: chr1-243471278-AC-A.
Other names: c.447-10del (NM_001350249.2); c.-163-10del (NM_001350251.2, NM_001350246.2, NM_001350247.2); c.837-10del (NM_001350248.2).
Identifiers: ClinVar variation 3355474 (VCV003355474.1).